The following is an entry in ClinVar:

ClinVar aggregate classification (germline): Uncertain significance. Review status: criteria provided, multiple submitters, no conflicts (2 of 4 stars). 2 submissions from 2 submitters: Uncertain significance (2). Last evaluated 2022-02-06.

Conditions:
Lafora disease. Also called: Epilepsy progressive myoclonic 2. Identifiers: Orphanet 501, MedGen C0751783, MONDO:0009697.

Submissions (2):

Labcorp Genetics (formerly Invitae), Labcorp
Classification: Uncertain significance for Lafora disease. Last evaluated: 2022-02-06. Review status: criteria provided, single submitter. Criteria: Invitae Variant Classification Sherloc (09022015). Collection method: clinical testing. Allele origin: germline.
Comment: This sequence change replaces alanine, which is neutral and non-polar, with lysine, which is basic and polar, at codon 2 of the NHLRC1 protein (p.Ala2Lys). Information on the frequency of this variant in the gnomAD database is not available, as this variant may be reported differently in the database. This variant has not been reported in the literature in individuals affected with NHLRC1-related conditions. ClinVar contains an entry for this variant (Variation ID: 206193). Algorithms developed to predict the effect of missense changes on protein structure and function are either unavailable or do not agree on the potential impact of this missense change (SIFT: "Not Available"; PolyPhen-2: "Benign"; Align-GVGD: "Not Available"). In summary, the available evidence is currently insufficient to determine the role of this variant in disease. Therefore, it has been classified as a Variant of Uncertain Significance.

GeneDx
Classification: Uncertain significance. Last evaluated: 2014-07-09. Review status: criteria provided, single submitter. Criteria: GeneDx Variant Classification (06012015). Collection method: clinical testing. Allele origin: germline. Affected: yes.
Comment: c.4_5delGCinsAA: p.Ala2Lys (A2K) in exon 1 of the NHLRC1 gene (NM_198586.2) The normal sequence with the bases that are deleted in braces followed by the inserted bases in brackets is: ccATG{GC}[AA]GGCC. A variant of unknown significance has been identified in the NHLRC1 gene. The c.4_5delGCinsAA variant has not been published as a mutation, nor has it been reported as a benign polymorphism to our knowledge. The c.4_5delGCinsAA variant results in an in-frame deletion of a single Alanine residue and the insertion of a single Lysine residue, denoted p.A2K. It was not observed in approximately 5,300 individuals of European and African American ancestry in the NHLBI Exome Sequencing Project, indicating it is not a common benign variant in these populations. This variant is a non-conservative amino acid substitution, which is likely to impact secondary protein structure as these residues differ in polarity, charge, size and/or other properties. However, this substitution occurs at a position that is not conserved across species, and missense mutations in nearby residues have not been reported. In silico analysis is inconsistent in its predictions as to whether or not the variant is damaging to the protein structure/function. Therefore, based on the currently available information, it is unclear whether this variant is a pathogenic mutation or a rare benign variant. The variant is found in EPILEPSY panel(s).

NM_198586.3(NHLRC1):c.4_5delinsAA (p.Ala2Lys)

Gene: NHLRC1 (NHL repeat containing E3 ubiquitin protein ligase 1; minus strand). Cytogenetic location: 6p22.3.
Variant type: Indel.
Coding change: c.4_5delinsAA on transcript NM_198586.3 (MANE Select); coding-DNA positions 4 to 5, GC replaced by AA.
Protein change: p.Ala2Lys; replaces alanine 2 with lysine.
Molecular consequence: missense variant.
Genome position (GRCh38, 1-based): chr6:18,122,602-18,122,603, GC replaced by TT on the plus strand (GC replaced by AA on the coding strand, the reverse complement: NHLRC1 is on the minus strand). VCF-style: chr6-18122602-GC-TT. GRCh37 (hg19) VCF-style: chr6-18122833-GC-TT.
Other names: p.A2K:GCG>AAG; short protein forms A2K.
Identifiers: ClinVar variation 206193 (VCV000206193.9), dbSNP rs796052757, ClinGen allele CA316042.